The following is an entry in ClinVar:

ClinVar aggregate classification (germline): Uncertain significance. Review status: criteria provided, multiple submitters, no conflicts (2 of 4 stars). 3 submissions from 3 submitters: Uncertain significance (2). 1 of the submissions does not count toward it. Last evaluated 2024-09-15.

Conditions:
Pseudohypoparathyroidism type 1B (PHP1B). Also called: Pseudohypoparathyroidism Type IB; Pseudohypoparathyroidism Ib (PHP-Ib); PHP IB. Identifiers: Orphanet 94089, MedGen C1864100, MONDO:0011301, OMIM 603233.

Allele frequency attached by ClinVar (database versions not stated): gnomAD exomes below 0.00001; ExAC 0.00001; TOPMed 0.00001.
gnomAD v4.1: 17 of 1,613,522 alleles (0.0011%); highest among the groups gnomAD compares: Non-Finnish European, 0.0014%; no homozygotes.

Submissions (3):

Labcorp Genetics (formerly Invitae), Labcorp
Classification: Uncertain significance. Last evaluated: 2024-09-15. Review status: criteria provided, single submitter. Criteria: Invitae Variant Classification Sherloc (09022015). Collection method: clinical testing. Allele origin: germline.
Comment: This sequence change replaces glycine, which is neutral and non-polar, with serine, which is neutral and polar, at codon 73 of the GNAS protein (p.Gly73Ser). This variant is present in population databases (rs587778380, gnomAD 0.006%). This variant has not been reported in the literature in individuals affected with GNAS-related conditions. ClinVar contains an entry for this variant (Variation ID: 134473). Invitae Evidence Modeling of protein sequence and biophysical properties (such as structural, functional, and spatial information, amino acid conservation, physicochemical variation, residue mobility, and thermodynamic stability) has been performed for this missense variant. However, the output from this modeling did not meet the statistical confidence thresholds required to predict the impact of this variant on GNAS protein function. In summary, the available evidence is currently insufficient to determine the role of this variant in disease. Therefore, it has been classified as a Variant of Uncertain Significance.

Centre for Mendelian Genomics, University Medical Centre Ljubljana
Classification: Uncertain significance for Pseudohypoparathyroidism type 1B. Last evaluated: 2018-10-25. Review status: criteria provided, single submitter. Criteria: ACMG Guidelines, 2015. Collection method: clinical testing. Allele origin: unknown. Affected: yes.
Comment: This variant was classified as: Uncertain significance. The available evidence favors the benign nature of this variant, however the evidence is insufficent to prove its benign nature. The following ACMG criteria were applied in classifying this variant: PP3,BS1.

ITMI
No classification provided. Condition: AllHighlyPenetrant. Last evaluated: 2013-09-19. Review status: no classification provided. Collection method: reference population. Allele origin: germline. Not counted in ClinVar's aggregate classification.
Comment: Please see associated publication for description of ethnicities

Literature cited by the submitters: PubMed 24728327 (cited by ITMI).

NM_000516.7(GNAS):c.217G>A (p.Gly73Ser)

Gene: GNAS (GNAS complex locus; plus strand). Cytogenetic location: 20q13.32.
Variant type: single nucleotide variant.
Coding change: c.217G>A on transcript NM_000516.7 (MANE Select); coding-DNA position 217, G replaced by A.
Protein change: p.Gly73Ser; replaces glycine 73 with serine.
Molecular consequence: missense variant. On other transcripts: 3 prime UTR variant (3), non-coding transcript variant (2), intron variant (2).
Genome position (GRCh38, 1-based): chr20:58,898,945, G>A. VCF-style: chr20-58898945-G-A. GRCh37 (hg19) VCF-style: chr20-57474000-G-A.
Other names: c.217G>A, p.Gly73Ser (NM_001077488.5, NM_001309842.2); c.*78G>A (NM_001077490.3); c.40G>A, p.Gly14Ser (NM_001309840.2, NM_001309861.2); c.*236G>A (NM_001309883.1); c.*120G>A (NM_016592.5); c.2146G>A, p.Gly716Ser (NM_080425.4); c.212+3261G>A (NM_080426.4, NM_001077489.4); short protein forms G73S, G14S, G716S.
Identifiers: ClinVar variation 134473 (VCV000134473.7), dbSNP rs587778380, ClinGen allele CA159922.